The following is an entry in ClinVar:

NM_032608.7(MYO18B):c.1457A>G (p.Asp486Gly)

Gene: MYO18B (myosin XVIIIB; plus strand). Cytogenetic location: 22q12.1.
Variant type: single nucleotide variant.
Coding change: c.1457A>G on transcript NM_032608.7 (MANE Select); coding-DNA position 1457, A replaced by G.
Protein change: p.Asp486Gly; replaces aspartic acid 486 with glycine.
Molecular consequence: missense variant.
Genome position (GRCh38, 1-based): chr22:25,769,373, A>G. VCF-style: chr22-25769373-A-G. GRCh37 (hg19) VCF-style: chr22-26165340-A-G.
Other names: c.1457A>G, p.Asp486Gly (NM_001318245.2); c.1457A>G (NM_032608.5); short protein forms D486G.
Identifiers: ClinVar variation 1431720 (VCV001431720.4), dbSNP rs761910322, ClinGen allele CA10159824.

ClinVar aggregate classification (germline): Uncertain significance. Review status: criteria provided, multiple submitters, no conflicts (2 of 4 stars). 2 submissions from 2 submitters: Uncertain significance (2). Last evaluated 2024-08-19.

Conditions:
Inborn genetic diseases. Identifiers: MedGen C0950123, MeSH D030342.

Allele frequency attached by ClinVar (database versions not stated): gnomAD exomes 0.00005 and 0.00010; gnomAD 0.00008 and 0.00009; TOPMed 0.00014; ExAC 0.00016.
gnomAD v4.1: 84 of 1,574,096 alleles (0.0053%); highest among the groups gnomAD compares: Admixed American, 0.026%; no homozygotes.

Submissions (2):

Ambry Genetics
Classification: Uncertain significance for Inborn genetic diseases. Last evaluated: 2024-08-19. Review status: criteria provided, single submitter. Criteria: Ambry Variant Classification Scheme 2023. Collection method: clinical testing. Allele origin: germline.

Labcorp Genetics (formerly Invitae), Labcorp
Classification: Uncertain significance. Last evaluated: 2022-08-09. Review status: criteria provided, single submitter. Criteria: Invitae Variant Classification Sherloc (09022015). Collection method: clinical testing. Allele origin: germline.
Comment: This sequence change replaces aspartic acid, which is acidic and polar, with glycine, which is neutral and non-polar, at codon 486 of the MYO18B protein (p.Asp486Gly). This variant is present in population databases (rs761910322, gnomAD 0.03%). This variant has not been reported in the literature in individuals affected with MYO18B-related conditions. ClinVar contains an entry for this variant (Variation ID: 1431720). Algorithms developed to predict the effect of missense changes on protein structure and function output the following: SIFT: "Not Available"; PolyPhen-2: "Benign"; Align-GVGD: "Not Available". The glycine amino acid residue is found in multiple mammalian species, which suggests that this missense change does not adversely affect protein function. In summary, the available evidence is currently insufficient to determine the role of this variant in disease. Therefore, it has been classified as a Variant of Uncertain Significance.